The following is an entry in ClinVar:

ClinVar aggregate classification (germline): Uncertain significance. Review status: criteria provided, multiple submitters, no conflicts (2 of 4 stars). 2 submissions from 2 submitters: Uncertain significance (2). Last evaluated 2025-04-28.

Conditions:
Inborn genetic diseases. Identifiers: MedGen C0950123, MeSH D030342.
Peroxisome biogenesis disorder 7A (Zellweger). Also called: Peroxisome biogenesis disorder 7A. Identifiers: Orphanet 912, MedGen C3888385, MONDO:0013938, OMIM 614872.
Peroxisome biogenesis disorder 7B (PBD7B). Identifiers: Orphanet 44, MedGen C3553951, MONDO:0013939, OMIM 614873.

Allele frequency attached by ClinVar (database versions not stated): gnomAD 0.00001; gnomAD exomes 0.00001; TOPMed 0.00002.
gnomAD v4.1: 4 of 1,614,012 alleles (0.00025%); highest among the groups gnomAD compares: Admixed American, 0.0033%; no homozygotes.

Submissions (2):

Ambry Genetics
Classification: Uncertain significance for Inborn genetic diseases. Last evaluated: 2025-04-28. Review status: criteria provided, single submitter. Criteria: Ambry Variant Classification Scheme 2023. Collection method: clinical testing. Allele origin: germline.

Labcorp Genetics (formerly Invitae), Labcorp
Classification: Uncertain significance for Peroxisome biogenesis disorder 7A (Zellweger); Peroxisome biogenesis disorder 7B. Last evaluated: 2022-09-12. Review status: criteria provided, single submitter. Criteria: Invitae Variant Classification Sherloc (09022015). Collection method: clinical testing. Allele origin: germline.
Comment: This sequence change replaces glutamic acid, which is acidic and polar, with aspartic acid, which is acidic and polar, at codon 209 of the PEX26 protein (p.Glu209Asp). This variant is present in population databases (no rsID available, gnomAD 0.006%). This variant has not been reported in the literature in individuals affected with PEX26-related conditions. ClinVar contains an entry for this variant (Variation ID: 1390932). Advanced modeling of protein sequence and biophysical properties (such as structural, functional, and spatial information, amino acid conservation, physicochemical variation, residue mobility, and thermodynamic stability) performed at Invitae indicates that this missense variant is not expected to disrupt PEX26 protein function. In summary, the available evidence is currently insufficient to determine the role of this variant in disease. Therefore, it has been classified as a Variant of Uncertain Significance.

NM_001127649.3(PEX26):c.627A>T (p.Glu209Asp)

Gene: PEX26 (peroxisomal biogenesis factor 26; plus strand). Cytogenetic location: 22q11.21.
Variant type: single nucleotide variant.
Coding change: c.627A>T on transcript NM_001127649.3 (MANE Select); coding-DNA position 627, A replaced by T.
Protein change: p.Glu209Asp; replaces glutamic acid 209 with aspartic acid.
Molecular consequence: missense variant.
Genome position (GRCh38, 1-based): chr22:18,083,692, A>T. VCF-style: chr22-18083692-A-T. GRCh37 (hg19) VCF-style: chr22-18566458-A-T.
Other names: c.627A>T, p.Glu209Asp (NM_001199319.2, NM_017929.6); c.627A>T (NM_017929.5); short protein forms E209D.
Identifiers: ClinVar variation 1390932 (VCV001390932.6), dbSNP rs1344950383, ClinGen allele CA410268062.
Genomic context (GRCh38, chr22:18,083,692, plus strand): 5'-GGAGCGGCGACTGGATGTACTTCAGGCCATTCACACAGCGAGGCAGCAGCAGAAACAGGA[A>T]CACTCAGGCTCTGAGGAGGCCCAGAAGCCAAACCTGGAAGGTAGGACATTATCCCTCTGC-3'
Protein context (NP_001121121.1, residues 199-219): IHTARQQQKQ[Glu209Asp]HSGSEEAQKP